The following is an entry in ClinVar:

ClinVar aggregate classification (germline): Uncertain significance (1 of 4 stars; one submission).

gnomAD v4.1: 2 of 1,613,966 alleles (0.00012%); highest among the groups gnomAD compares: Middle Eastern, 0.017%; no homozygotes.

Submission:

Ambry Genetics
Classification: Uncertain significance. Last evaluated: 2026-07-27. Review status: criteria provided, single submitter. Criteria: Ambry Variant Classification Scheme 2023. Collection method: clinical testing. Allele origin: germline.
Comment: The p.P513H variant (also known as c.1538C>A), located in coding exon 13 of the GEN1 gene, results from a C to A substitution at nucleotide position 1538. The proline at codon 513 is replaced by histidine, an amino acid with similar properties. This amino acid position is conserved. In addition, this alteration is predicted to be tolerated by in silico analysis. Based on the available evidence, the clinical significance of this variant remains unclear.

NM_001130009.3(GEN1):c.1538C>A (p.Pro513His)

Gene: GEN1 (GEN1 structure-specific endonuclease; plus strand). Cytogenetic location: 2p24.2.
Variant type: single nucleotide variant.
Coding change: c.1538C>A on transcript NM_001130009.3 (MANE Select); coding-DNA position 1538, C replaced by A.
Protein change: p.Pro513His; replaces proline 513 with histidine.
Molecular consequence: missense variant.
Genome position (GRCh38, 1-based): chr2:17,780,750, C>A. VCF-style: chr2-17780750-C-A. GRCh37 (hg19) VCF-style: chr2-17962017-C-A.
Other names: c.1538C>A, p.Pro513His (NM_182625.5); short protein forms P513H.
Identifiers: ClinVar variation 3519782 (VCV003519782.2).